The following is an entry in ClinVar:

NM_001148.6(ANK2):c.84+5A>G

Gene: ANK2 (ankyrin 2; plus strand). Cytogenetic location: 4q25.
Variant type: single nucleotide variant.
Coding change: c.84+5A>G on transcript NM_001148.6 (MANE Select); 5 bases into the intron after coding-DNA position 84, A replaced by G.
Molecular consequence: intron variant.
Genome position (GRCh38, 1-based): chr4:113,049,817, A>G. VCF-style: chr4-113049817-A-G. GRCh37 (hg19) VCF-style: chr4-113970973-A-G.
Other names: c.73-124599A>G (NM_001386186.2, NM_001386148.2, NM_001354269.3 and 1 more transcripts); c.22-101263A>G (NM_001386147.1, NM_001386160.1, NM_001354261.2); c.22-124599A>G (NM_001354254.2, NM_001354239.2, NM_001354252.2 and 33 more transcripts); c.84+5A>G (NM_001354241.2, NM_001354225.2, NM_001354235.2 and 10 more transcripts).
Identifiers: ClinVar variation 4613575 (VCV004613575.1).
Genomic context (GRCh38, chr4:113,049,817, plus strand): 5'-GCGACAGTGGAGAGAAGTTCAACGGCAGTAGTCAGAGGAGAAAAAGACCCAAGAAGGTAA[A>G]TCGCCGGAATTAGGAATGTCTGTGTATAAATATGTATGTGTGTGCATGTGTGAGTGTGTA-3'

ClinVar aggregate classification (germline): Uncertain significance (1 of 4 stars; one submission).

Conditions:
Cardiovascular phenotype. Identifiers: MedGen CN230736.

Submission:

Ambry Genetics
Classification: Uncertain significance for Cardiovascular phenotype. Last evaluated: 2025-12-04. Review status: criteria provided, single submitter. Criteria: Ambry Variant Classification Scheme 2023. Collection method: clinical testing. Allele origin: germline.
Comment: The c.84+5A>G intronic variant results from an A to G substitution 5 nucleotides after coding exon 1 in the ANK2 gene. This his nucleotide position is well conserved in available vertebrate species. In silico splice site analysis predicts that this alteration will not have any significant effect on splicing. Based on the available evidence, the clinical significance of this variant remains unclear.